The following is an entry in ClinVar:

NM_000341.4(SLC3A1):c.163del (p.Gln55fs)

Gene: SLC3A1 (solute carrier family 3 member 1; plus strand). Cytogenetic location: 2p21.
Variant type: Deletion.
Coding change: c.163del on transcript NM_000341.4 (MANE Select); coding-DNA position 163, one base deleted (C; older notation c.163delC).
Protein change: p.Gln55fs; shifts the reading frame from glutamine 55.
Molecular consequence: frameshift variant.
Genome position (GRCh38, 1-based): chr2:44,275,698, C deleted; the last of 3 consecutive C bases (chr2:44,275,696-44,275,698); deleting any one gives the same sequence. VCF-style (leftmost placement, unchanged base first): chr2-44275695-TC-T. GRCh37 (hg19) VCF-style: chr2-44502834-TC-T.
Other names: c.163delC (NM_000341.3); short protein forms Q55fs.
Identifiers: ClinVar variation 502014 (VCV000502014.21), dbSNP rs779932118, ClinGen allele CA1640035.

ClinVar aggregate classification (germline): Pathogenic. Review status: criteria provided, multiple submitters, no conflicts (2 of 4 stars). 7 submissions from 7 submitters: Pathogenic (6). 1 of the submissions does not count toward it. Last evaluated 2025-10-03.

Conditions:
SLC3A1-related disorder. Also called: SLC3A1-related condition.
Cystinuria (CSNU). Also called: Cystinuria, non-type I; CYSTINURIA, TYPE I; CYSTINURIA, TYPE II; CYSTINURIA, TYPE III. Identifiers: Orphanet 214, MedGen C0010691, MONDO:0009067, OMIM 220100, HP:0003131.

Submissions (7):

Rare Kidney Stone Consortium and the Mayo Clinic Hyperoxaluria Center, Mayo Clinic
Classification: Pathogenic for Cystinuria. Last evaluated: 2025-10-03. Review status: criteria provided, single submitter. Criteria: ACMG Guidelines, 2015. Collection method: research. Allele origin: germline. Affected: yes. Observed: 1 variant allele.

PreventionGenetics, part of Exact Sciences
Classification: Pathogenic for SLC3A1-related condition. Last evaluated: 2025-01-11. Review status: criteria provided, single submitter. Criteria: ACMG Guidelines, 2015. Collection method: clinical testing. Allele origin: germline.
Comment: The SLC3A1 c.163delC variant is predicted to result in a frameshift and premature protein termination (p.Gln55Argfs*51). This variant has been reported in the heterozygous, compound heterozygous, and homozygous states in individuals with cystinuria (Gitomer et al. 1998. PubMed ID: 9768685; Capalbo et al. 2019. PubMed ID: 31589614; Cogal et al. 2021. PubMed ID: 34805638; Bisceglia et al. 2001. PubMed ID: 11260385; Rhodes et al. 2015. PubMed ID: 25964309, alternative nomenclature c.161del). This variant is reported in 0.012% of alleles in individuals of European (non-Finnish) descent in gnomAD. Frameshift variants in SLC3A1 are expected to be pathogenic. This variant is interpreted as pathogenic.

Labcorp Genetics (formerly Invitae), Labcorp
Classification: Pathogenic for Cystinuria. Last evaluated: 2024-08-27. Review status: criteria provided, single submitter. Criteria: Invitae Variant Classification Sherloc (09022015). Collection method: clinical testing. Allele origin: germline.
Comment: This sequence change creates a premature translational stop signal (p.Gln55Argfs*51) in the SLC3A1 gene. It is expected to result in an absent or disrupted protein product. Loss-of-function variants in SLC3A1 are known to be pathogenic (PMID: 24610330, 25109415, 25964309). This variant is present in population databases (rs779932118, gnomAD 0.01%). This premature translational stop signal has been observed in individuals with cystinuria (PMID: 11260385, 25964309). This variant is also known as c.161delC. ClinVar contains an entry for this variant (Variation ID: 502014). For these reasons, this variant has been classified as Pathogenic.

Blueprint Genetics
Classification: Pathogenic for SLC3A1-related disorders. Last evaluated: 2024-08-15. Review status: criteria provided, single submitter. Criteria: ACMG Guidelines, 2015. Collection method: clinical testing. Allele origin: germline. Affected: yes. Observed: 5 variant alleles.

Fulgent Genetics
Classification: Pathogenic for Cystinuria. Last evaluated: 2024-03-14. Review status: criteria provided, single submitter. Criteria: ACMG Guidelines, 2015. Collection method: clinical testing. Allele origin: germline.

Eurofins Ntd Llc (ga)
Classification: Pathogenic. Last evaluated: 2017-05-17. Review status: criteria provided, single submitter. Criteria: EGL Classification Definitions 2015. Collection method: clinical testing. Allele origin: germline. Observed: 1 variant allele, 1 heterozygote.

Department of Pathology and Laboratory Medicine, Sinai Health System
Classification: Pathogenic. Review status: no assertion criteria provided. Collection method: clinical testing. Allele origin: unknown. Affected: yes. Study: The Canadian Open Genetics Repository (COGR). Not counted in ClinVar's aggregate classification.
Comment: The SLC3A1 p.Q55Rfs*51 variant was identified in 13 of 634 proband chromosomes (frequency: 0.021) from individuals or families with cystinuria; the variant has been reported in cystinuria patients in the heterozygous, compound heterozygous and homozygous state (Bisceglia_2001_PMID:11260385; Gitomer_1998_PMID:9768685; Font-Llitjâˆšâ‰¥s_2005_PMID:15635077; Tostivint_2017_PMID:28646536; Brauers_2006_PMID:18947684). The variant was identified in dbSNP (ID: rs779932118) and ClinVar (classified as pathogenic by EGL Genetic Diagnostics). The variant was identified in control databases in 17 of 282536 chromosomes at a frequency of 0.00006017 (Genome Aggregation Database March 6, 2019, v2.1.1). The variant was observed in the following populations: European (non-Finnish) in 16 of 128970 chromosomes (freq: 0.000124) and Latino in 1 of 35410 chromosomes (freq: 0.000028), but was not observed in the African, Ashkenazi Jewish, East Asian, European (Finnish), Other, or South Asian populations. The c.161del variant is predicted to cause a frameshift, which alters the protein's amino acid sequence beginning at codon 55 and leads to a premature stop codon 51 amino acids downstream. This alteration is then predicted to result in a truncated or absent protein and loss of function. Loss of function variants of the SLC3A1 gene are an established mechanism of disease in cystinuria and is the type of variant expected to cause the disorder. The variant occurs outside of the splicing consensus sequence and in silico or computational prediction software programs (SpliceSiteFinder, MaxEntScan, NNSPLICE, GeneSplicer) do not predict a difference in splicing. In summary, based on the above information this variant meets our laboratoryâ€šÃ„Ã´s criteria to be classified as pathogenic.

Literature cited by the submitters: PubMed 40794449 (cited by Rare Kidney Stone Consortium and the Mayo Clinic Hyperoxaluria Center, Mayo Clinic); PubMed 24610330 (cited by Labcorp Genetics (formerly Invitae), Labcorp); PubMed 25109415 (cited by Labcorp Genetics (formerly Invitae), Labcorp); PubMed 25964309 (cited by Labcorp Genetics (formerly Invitae), Labcorp); PubMed 11260385 (cited by Labcorp Genetics (formerly Invitae), Labcorp).